The following is an entry in ClinVar:

NM_006343.3(MERTK):c.2190-1G>T

Gene: MERTK (MER proto-oncogene, tyrosine kinase; plus strand). Cytogenetic location: 2q13.
Variant type: single nucleotide variant.
Coding change: c.2190-1G>T on transcript NM_006343.3 (MANE Select); the canonical splice acceptor site of the intron before coding-DNA position 2190, G replaced by T.
Molecular consequence: splice acceptor variant.
Genome position (GRCh38, 1-based): chr2:112,021,421, G>T. VCF-style: chr2-112021421-G-T. GRCh37 (hg19) VCF-style: chr2-112778998-G-T.
Identifiers: ClinVar variation 1065760 (VCV001065760.1), dbSNP rs2104423659, ClinGen allele CA348238584.
Genomic context (GRCh38, chr2:112,021,421, plus strand): 5'-CAGACCAGTAATTTAAGGCATTGCCTCTGACGCTGCTGAAGACGTAACCTGCTCTCTGTA[G>T]GTTGCGAGATGACATGACTGTCTGTGTTGCGGACTTCGGCCTCTCTAAGAAGATTTACAG-3'

ClinVar aggregate classification (germline): Pathogenic (1 of 4 stars; one submission).

Conditions:
Retinitis pigmentosa 38 (RP38). Also called: ROD-CONE DYSTROPHY, CHILDHOOD-ONSET. Identifiers: Orphanet 791, MedGen C3151228, MONDO:0013469, OMIM 613862.

Submission:

Ocular Genomics Institute, Massachusetts Eye and Ear
Classification: Pathogenic for Retinitis pigmentosa 38. Last evaluated: 2021-04-08. Review status: criteria provided, single submitter. Criteria: ACMG Guidelines, 2015. Collection method: research. Allele origin: germline. Affected: yes.
Comment: Through a review of available evidence we were able to apply the following criteria: PVS1, PM2, PM3. Based on this evidence we have classified this variant as Pathogenic.